The following is an entry in ClinVar:

NM_002693.3(POLG):c.1545C>T (p.Ile515=)

Gene: POLG (DNA polymerase gamma, catalytic subunit; minus strand). Cytogenetic location: 15q26.1.
Variant type: single nucleotide variant.
Coding change: c.1545C>T on transcript NM_002693.3 (MANE Select); coding-DNA position 1545, C replaced by T.
Protein change: p.Ile515=; no amino-acid change (isoleucine 515 retained).
Molecular consequence: synonymous variant.
Genome position (GRCh38, 1-based): chr15:89,326,952, G>A on the plus strand (C>T on the coding strand, the complement: POLG is on the minus strand). VCF-style: chr15-89326952-G-A. GRCh37 (hg19) VCF-style: chr15-89870183-G-A.
Other names: p.Ile515=; c.1545C>T, p.Ile515= (NM_001126131.2).
Identifiers: ClinVar variation 501842 (VCV000501842.21), dbSNP rs537156830, ClinGen allele CA7724813.

ClinVar aggregate classification (germline): Conflicting classifications of pathogenicity. Review status: criteria provided, conflicting classifications (1 of 4 stars). 6 submissions from 6 submitters: Uncertain significance (1); Likely benign (4). 1 of the submissions does not count toward it. Last evaluated 2025-12-05.

Conditions:
POLG-related disorder. Also called: POLG-related condition; POLG-Related Disorders; POLG-Related Spectrum Disorders. Identifiers: MedGen C4763519.
Progressive sclerosing poliodystrophy (MTDPS4A). Also called: ALPERS PROGRESSIVE INFANTILE POLIODYSTROPHY; ALPERS DIFFUSE DEGENERATION OF CEREBRAL GRAY MATTER WITH HEPATIC CIRRHOSIS; Alpers Syndrome; Alpers-Huttenlocher Syndrome; Mitochondrial DNA depletion syndrome 4A (Alpers type); Mitochondrial DNA Depletion Syndrome 4A. Identifiers: Orphanet 726, MedGen C0205710, MONDO:0008758, OMIM 203700.

Allele frequency attached by ClinVar (database versions not stated): ExAC 0.00002; gnomAD exomes 0.00002; TOPMed 0.00005; gnomAD 0.00006 and 0.00007.
gnomAD v4.1: 48 of 1,614,130 alleles (0.003%); highest among the groups gnomAD compares: African/African-American, 0.021%; no homozygotes.

Submissions (6):

Labcorp Genetics (formerly Invitae), Labcorp
Classification: Likely benign for Progressive sclerosing poliodystrophy. Last evaluated: 2025-12-05. Review status: criteria provided, single submitter. Criteria: Invitae Variant Classification Sherloc (09022015). Collection method: clinical testing. Allele origin: germline.

Mayo Clinic Laboratories, Mayo Clinic
Classification: Likely benign. Last evaluated: 2024-12-24. Review status: criteria provided, single submitter. Criteria: ACMG Guidelines, 2015. Collection method: clinical testing. Allele origin: germline. Observed: 1 variant allele.
Comment: BP4, BP7

Blueprint Genetics
Classification: Likely benign. Last evaluated: 2024-06-19. Review status: criteria provided, single submitter. Criteria: ACMG Guidelines, 2015. Collection method: clinical testing. Allele origin: germline.

GeneDx
Classification: Likely benign. Last evaluated: 2021-05-01. Review status: criteria provided, single submitter. Criteria: GeneDx Variant Classification Process June 2021. Collection method: clinical testing. Allele origin: germline. Affected: yes.

Eurofins Ntd Llc (ga)
Classification: Uncertain significance. Last evaluated: 2017-05-02. Review status: criteria provided, single submitter. Criteria: EGL Classification Definitions 2015. Collection method: clinical testing. Allele origin: germline. Observed: 1 variant allele, 1 heterozygote.

PreventionGenetics, part of Exact Sciences
Classification: Likely benign for POLG-related condition. Last evaluated: 2021-11-12. Review status: no assertion criteria provided. Collection method: clinical testing. Allele origin: germline. Not counted in ClinVar's aggregate classification.
Comment: This variant is classified as likely benign based on ACMG/AMP sequence variant interpretation guidelines (Richards et al. 2015 PMID: 25741868, with internal and published modifications).